The following is an entry in ClinVar:

ClinVar aggregate classification (germline): Uncertain significance (1 of 4 stars; one submission).

Submission:

GeneDx
Classification: Uncertain significance. Last evaluated: 2023-07-16. Review status: criteria provided, single submitter. Criteria: GeneDx Variant Classification Process June 2021. Collection method: clinical testing. Allele origin: germline. Affected: yes.
Comment: Not observed at significant frequency in large population cohorts (gnomAD); In silico analysis supports that this missense variant has a deleterious effect on protein structure/function; Has not been previously published as pathogenic or benign to our knowledge

NM_001348323.3(TRIP12):c.1886C>T (p.Ala629Val)

Gene: TRIP12 (thyroid hormone receptor interactor 12; minus strand). Cytogenetic location: 2q36.3.
Variant type: single nucleotide variant.
Coding change: c.1886C>T on transcript NM_001348323.3 (MANE Select); coding-DNA position 1886, C replaced by T.
Protein change: p.Ala629Val; replaces alanine 629 with valine.
Molecular consequence: missense variant.
Genome position (GRCh38, 1-based): chr2:229,813,970, G>A on the plus strand (C>T on the coding strand, the complement: TRIP12 is on the minus strand). VCF-style: chr2-229813970-G-A. GRCh37 (hg19) VCF-style: chr2-230678686-G-A.
Other names: c.1886C>T, p.Ala629Val (NM_001284214.2, NM_001348315.2, NM_001348319.1 and 11 more transcripts); c.1760C>T, p.Ala587Val (NM_001284215.2, NM_001348316.2, NM_001348317.1 and 2 more transcripts); c.851C>T, p.Ala284Val (NM_001284216.2); c.1799C>T, p.Ala600Val (NM_001348332.1); c.1742C>T, p.Ala581Val (NM_004238.3); short protein forms A284V, A581V, A587V, A600V, A629V.
Identifiers: ClinVar variation 3361152 (VCV003361152.1).